The following is an entry in ClinVar:

NM_013964.5(NRG1):c.1634G>A (p.Arg545Gln)

Gene: NRG1 (neuregulin 1; plus strand). Cytogenetic location: 8p12.
Variant type: single nucleotide variant.
Coding change: c.1634G>A on transcript NM_013964.5 (MANE Select); coding-DNA position 1634, G replaced by A.
Protein change: p.Arg545Gln; replaces arginine 545 with glutamine.
Molecular consequence: missense variant. On other transcripts: 3 prime UTR variant (4).
Genome position (GRCh38, 1-based): chr8:32,764,113, G>A. VCF-style: chr8-32764113-G-A. GRCh37 (hg19) VCF-style: chr8-32621631-G-A.
Other names: c.1814G>A, p.Arg605Gln (NM_001322205.2); c.*387G>A (NM_001322206.2, NM_013960.5, NM_001159996.3 and 1 more transcripts); c.1649G>A, p.Arg550Gln (NM_013956.5); c.1625G>A, p.Arg542Gln (NM_013957.5); c.1814G>A (NM_001322205.1); c.1535G>A, p.Arg512Gln (NM_001159995.3); c.1586G>A, p.Arg529Gln (NM_001159999.3); c.1484G>A, p.Arg495Gln (NM_001160001.3); and 2 more; short protein forms R545Q, R605Q, R495Q, R512Q, R542Q, R550Q, R287Q, R388Q.
Identifiers: ClinVar variation 786558 (VCV000786558.7), dbSNP rs73672606, ClinGen allele CA4706185.
Genomic context (GRCh38, chr8:32,764,113, plus strand): 5'-ATGAAACGACCCAAGAGTACGAGCCAGCCCAAGAGCCTGTTAAGAAACTCGCCAATAGCC[G>A]GCGGGCCAAAAGAACCAAGCCCAATGGCCACATTGCTAACAGATTGGAAGTGGACAGCAA-3'
Protein context (NP_039258.1, residues 535-555): QEPVKKLANS[Arg545Gln]RAKRTKPNGH

ClinVar aggregate classification (germline): Benign. Review status: criteria provided, multiple submitters, no conflicts (2 of 4 stars). 3 submissions from 3 submitters: Benign (2). 1 of the submissions does not count toward it. Last evaluated 2019-12-31.

Conditions:
NRG1-related disorder. Also called: NRG1-related condition.

Allele frequency attached by ClinVar (database versions not stated): ExAC 0.00756; 1000 Genomes Project 0.02616; gnomAD exomes 0.00248 and 0.00647; 1000 Genomes Project 30x 0.02670; TOPMed 0.02751; ESP Exome Variant Server 0.02853; gnomAD 0.02396 and 0.02588.
gnomAD v4.1: 7,421 of 1,614,008 alleles (0.46%); highest among the groups gnomAD compares: African/African-American, 8.6%; 291 homozygotes.

Submissions (3):

Labcorp Genetics (formerly Invitae), Labcorp
Classification: Benign. Last evaluated: 2019-12-31. Review status: criteria provided, single submitter. Criteria: Invitae Variant Classification Sherloc (09022015). Collection method: clinical testing. Allele origin: germline.

Breakthrough Genomics
Classification: Benign. Review status: criteria provided, single submitter. Criteria: ACMG Guidelines, 2015. Collection method: not provided. Allele origin: germline. Inheritance: Unknown mechanism. Affected: yes.

PreventionGenetics, part of Exact Sciences
Classification: Benign for NRG1-related condition. Last evaluated: 2019-08-09. Review status: no assertion criteria provided. Collection method: clinical testing. Allele origin: germline. Not counted in ClinVar's aggregate classification.
Comment: This variant is classified as benign based on ACMG/AMP sequence variant interpretation guidelines (Richards et al. 2015 PMID: 25741868, with internal and published modifications).